The following is an entry in ClinVar:

ClinVar aggregate classification (germline): Uncertain significance. Review status: criteria provided, multiple submitters, no conflicts (2 of 4 stars). 2 submissions from 2 submitters: Uncertain significance (2). Last evaluated 2026-09-01.

gnomAD v4.1: 3 of 1,604,454 alleles (0.00019%); highest among the groups gnomAD compares: Non-Finnish European, 0.00026%; no homozygotes.

Submissions (2):

CeGaT Center for Human Genetics Tuebingen
Classification: Uncertain significance. Last evaluated: 2026-09-01. Review status: criteria provided, single submitter. Criteria: CeGaT Center For Human Genetics Tuebingen Variant Classification Criteria Version 2. Collection method: clinical testing. Allele origin: germline. Affected: yes. Observed: 1 variant allele.
Comment: CTCF: PM2:Supporting, PP2

GeneDx
Classification: Uncertain significance. Last evaluated: 2024-10-12. Review status: criteria provided, single submitter. Criteria: GeneDx Variant Classification Process June 2021. Collection method: clinical testing. Allele origin: germline. Affected: yes.
Comment: In silico analysis supports that this missense variant has a deleterious effect on protein structure/function; Has not been previously published as pathogenic or benign to our knowledge

NM_006565.4(CTCF):c.1163G>A (p.Ser388Asn)

Gene: CTCF (CCCTC-binding factor; plus strand). Cytogenetic location: 16q22.1.
Variant type: single nucleotide variant.
Coding change: c.1163G>A on transcript NM_006565.4 (MANE Select); coding-DNA position 1163, G replaced by A.
Protein change: p.Ser388Asn; replaces serine 388 with asparagine.
Molecular consequence: missense variant.
Genome position (GRCh38, 1-based): chr16:67,620,773, G>A. VCF-style: chr16-67620773-G-A. GRCh37 (hg19) VCF-style: chr16-67654676-G-A.
Other names: c.179G>A, p.Ser60Asn (NM_001191022.2); c.1163G>A, p.Ser388Asn (NM_001363916.2); short protein forms S60N, S388N.
Identifiers: ClinVar variation 3781114 (VCV003781114.2).